The following is an entry in ClinVar:

ClinVar aggregate classification (germline): Likely pathogenic (1 of 4 stars; one submission).

Conditions:
Lymphoproliferative syndrome 2 (LPFS2). Also called: CD27 DEFICIENCY; Combined immunodeficiency due to CD27 deficiency. Identifiers: Orphanet 238505, MedGen C3554540, MONDO:0014054, OMIM 615122.

Submission:

Labcorp Genetics (formerly Invitae), Labcorp
Classification: Likely pathogenic for Lymphoproliferative syndrome 2. Last evaluated: 2023-08-02. Review status: criteria provided, single submitter. Criteria: Invitae Variant Classification Sherloc (09022015). Collection method: clinical testing. Allele origin: unknown.
Comment: In summary, the currently available evidence indicates that the variant is pathogenic, but additional data are needed to prove that conclusively. Therefore, this variant has been classified as Likely Pathogenic. This variant has not been reported in the literature in individuals affected with CD27-related conditions. This variant results in the deletion of exons 4-5 and part of exon 3 (c.370_659-33del) of the CD27 gene. It is expected to disrupt RNA splicing. Variants that disrupt the donor or acceptor splice site typically lead to a loss of protein function (PMID: 16199547), and loss-of-function variants in CD27 are known to be pathogenic (PMID: 25843314).

Literature cited by the submitters: PubMed 16199547; PubMed 25843314.

NC_000012.11:g.(?_6559440)_(6560401_?)del

Gene: CD27 (CD27 molecule; plus strand). Cytogenetic location: 12p13.31.
Variant type: Deletion.
Identifiers: ClinVar variation 3244332 (VCV003244332.1).